The following is an entry in ClinVar:

NM_001025616.3(ARHGAP24):c.2168A>G (p.Glu723Gly)

Gene: ARHGAP24 (Rho GTPase activating protein 24; plus strand). Cytogenetic location: 4q21.3.
Variant type: single nucleotide variant.
Coding change: c.2168A>G on transcript NM_001025616.3 (MANE Select); coding-DNA position 2168, A replaced by G.
Protein change: p.Glu723Gly; replaces glutamic acid 723 with glycine.
Molecular consequence: missense variant.
Genome position (GRCh38, 1-based): chr4:86,000,643, A>G. VCF-style: chr4-86000643-A-G. GRCh37 (hg19) VCF-style: chr4-86921796-A-G.
Other names: c.1883A>G, p.Glu628Gly (NM_001042669.2); c.1913A>G, p.Glu638Gly (NM_001287805.2); c.1589A>G, p.Glu530Gly (NM_001346093.2); c.1889A>G, p.Glu630Gly (NM_031305.3); short protein forms E628G, E630G, E723G, E530G, E638G.
Identifiers: ClinVar variation 3675788 (VCV003675788.2).

ClinVar aggregate classification (germline): Uncertain significance (1 of 4 stars; one submission).

Submission:

Labcorp Genetics (formerly Invitae), Labcorp
Classification: Uncertain significance. Last evaluated: 2024-10-28. Review status: criteria provided, single submitter. Criteria: Invitae Variant Classification Sherloc (09022015). Collection method: clinical testing. Allele origin: germline.
Comment: This sequence change replaces glutamic acid, which is acidic and polar, with glycine, which is neutral and non-polar, at codon 723 of the ARHGAP24 protein (p.Glu723Gly). This variant is present in population databases (rs772868081, gnomAD 0.0009%). This variant has not been reported in the literature in individuals affected with ARHGAP24-related conditions. An algorithm developed to predict the effect of missense changes on protein structure and function (PolyPhen-2) suggests that this variant is likely to be disruptive. In summary, the available evidence is currently insufficient to determine the role of this variant in disease. Therefore, it has been classified as a Variant of Uncertain Significance.